The following is an entry in ClinVar:

ClinVar aggregate classification (germline): Uncertain significance (1 of 4 stars; one submission).

gnomAD v4.1: 2 of 1,613,610 alleles (0.00012%); highest among the groups gnomAD compares: Non-Finnish European, 0.000085%; no homozygotes.

Submission:

CeGaT Center for Human Genetics Tuebingen
Classification: Uncertain significance. Last evaluated: 2025-03-01. Review status: criteria provided, single submitter. Criteria: CeGaT Center For Human Genetics Tuebingen Variant Classification Criteria Version 2. Collection method: clinical testing. Allele origin: germline. Affected: yes. Observed: 1 variant allele.
Comment: FLNC: PM2

NM_001458.5(FLNC):c.3911T>C (p.Val1304Ala)

Gene: FLNC (filamin C; plus strand). Cytogenetic location: 7q32.1.
Variant type: single nucleotide variant.
Coding change: c.3911T>C on transcript NM_001458.5 (MANE Select); coding-DNA position 3911, T replaced by C.
Protein change: p.Val1304Ala; replaces valine 1304 with alanine.
Molecular consequence: missense variant.
Genome position (GRCh38, 1-based): chr7:128,846,110, T>C. VCF-style: chr7-128846110-T-C. GRCh37 (hg19) VCF-style: chr7-128486164-T-C.
Other names: c.3911T>C, p.Val1304Ala (NM_001127487.2); short protein forms V1304A.
Identifiers: ClinVar variation 3777958 (VCV003777958.7).